The following is an entry in ClinVar:

ClinVar aggregate classification (germline): Uncertain significance (1 of 4 stars; one submission).

Conditions:
Hereditary spastic paraplegia 7 (SPG7). Also called: SPASTIC PARAPLEGIA 7, AUTOSOMAL RECESSIVE, WITH OR WITHOUT CEREBELLAR ATAXIA; Spastic paraplegia 7; Hereditary spastic paraplegia Paraplegin type; Autosomal recessive spastic paraplegia type 7; SPG7-related neurologic disorder. Identifiers: Orphanet 99013, MedGen C1846564, MONDO:0011803, OMIM 607259.

gnomAD v4.1: 1 of 1,607,718 alleles (0.000062%); highest among the groups gnomAD compares: Non-Finnish European, 0.000085%; no homozygotes.

Submission:

3billion
Classification: Uncertain significance for Hereditary spastic paraplegia 7. Last evaluated: 2022-03-22. Review status: criteria provided, single submitter. Criteria: ACMG Guidelines, 2015. Collection method: clinical testing. Allele origin: germline. Affected: yes. Observed: 1 heterozygote.
Comment: The variant is not observed in the gnomAD v2.1.1 dataset. Therefore, this variant is classified as uncertain significance according to the recommendation of ACMG/AMP guideline.

NM_003119.4(SPG7):c.377-39A>C

Gene: SPG7 (SPG7 matrix AAA peptidase subunit, paraplegin; plus strand). Cytogenetic location: 16q24.3.
Variant type: single nucleotide variant.
Coding change: c.377-39A>C on transcript NM_003119.4 (MANE Select); 39 bases into the intron before coding-DNA position 377, A replaced by C.
Molecular consequence: intron variant.
Genome position (GRCh38, 1-based): chr16:89,523,967, A>C. VCF-style: chr16-89523967-A-C. GRCh37 (hg19) VCF-style: chr16-89590375-A-C.
Other names: c.377-39A>C (NM_001363850.1, NM_199367.3).
Identifiers: ClinVar variation 1526122 (VCV001526122.1), dbSNP rs1192753029, ClinGen allele CA2573152863.